The following is an entry in ClinVar:

ClinVar aggregate classification (germline): Uncertain significance (1 of 4 stars; one submission).

gnomAD v4.1: 3 of 1,570,866 alleles (0.00019%); highest among the groups gnomAD compares: Admixed American, 0.0017%; no homozygotes.

Submission:

Labcorp Genetics (formerly Invitae), Labcorp
Classification: Uncertain significance. Last evaluated: 2022-07-29. Review status: criteria provided, single submitter. Criteria: Invitae Variant Classification Sherloc (09022015). Collection method: clinical testing. Allele origin: germline.
Comment: Algorithms developed to predict the effect of missense changes on protein structure and function are either unavailable or do not agree on the potential impact of this missense change (SIFT: "Deleterious"; PolyPhen-2: "Possibly Damaging"; Align-GVGD: "Class C0"). In summary, the available evidence is currently insufficient to determine the role of this variant in disease. Therefore, it has been classified as a Variant of Uncertain Significance. This variant has not been reported in the literature in individuals affected with HMCN1-related conditions. This sequence change replaces threonine, which is neutral and polar, with isoleucine, which is neutral and non-polar, at codon 1765 of the HMCN1 protein (p.Thr1765Ile). This variant is present in population databases (no rsID available, gnomAD 0.003%).

NM_031935.3(HMCN1):c.5294C>T (p.Thr1765Ile)

Gene: HMCN1 (hemicentin 1; plus strand). Cytogenetic location: 1q31.1.
Variant type: single nucleotide variant.
Coding change: c.5294C>T on transcript NM_031935.3 (MANE Select); coding-DNA position 5294, C replaced by T.
Protein change: p.Thr1765Ile; replaces threonine 1765 with isoleucine.
Molecular consequence: missense variant.
Genome position (GRCh38, 1-based): chr1:186,017,065, C>T. VCF-style: chr1-186017065-C-T. GRCh37 (hg19) VCF-style: chr1-185986197-C-T.
Other names: short protein forms T1765I.
Identifiers: ClinVar variation 2125625 (VCV002125625.4), dbSNP rs774365768, ClinGen allele CA343889895.